The following is an entry in ClinVar:

NM_001164760.2(PRKAR1B):c.1069C>T (p.Arg357Cys)

Gene: PRKAR1B (protein kinase cAMP-dependent type I regulatory subunit beta; minus strand). Cytogenetic location: 7p22.3.
Variant type: single nucleotide variant.
Coding change: c.1069C>T on transcript NM_001164760.2 (MANE Select); coding-DNA position 1069, C replaced by T.
Protein change: p.Arg357Cys; replaces arginine 357 with cysteine.
Molecular consequence: missense variant.
Genome position (GRCh38, 1-based): chr7:550,507, G>A on the plus strand (C>T on the coding strand, the complement: PRKAR1B is on the minus strand). VCF-style: chr7-550507-G-A. GRCh37 (hg19) VCF-style: chr7-590144-G-A.
Other names: c.1069C>T, p.Arg357Cys (NM_001164758.2, NM_001164759.1, NM_001164761.2 and 2 more transcripts); short protein forms R357C.
Identifiers: ClinVar variation 3367147 (VCV003367147.2).

ClinVar aggregate classification (germline): Conflicting classifications of pathogenicity. Review status: criteria provided, conflicting classifications (1 of 4 stars). 2 submissions from 2 submitters: Uncertain significance (1); Likely benign (1). Last evaluated 2026-02-09.

Conditions:
Marbach-Schaaf neurodevelopmental syndrome (MASNS). Identifiers: Orphanet 692173, MedGen C5562050, MONDO:0859214, OMIM 619680.

gnomAD v4.1: 8 of 1,601,688 alleles (0.0005%); highest among the groups gnomAD compares: Non-Finnish European, 0.0006%; no homozygotes.

Submissions (2):

Centre for Medical Genetics,  Mumbai
Classification: Likely benign for Marbach-Schaaf neurodevelopmental syndrome. Last evaluated: 2026-02-09. Review status: criteria provided, single submitter. Criteria: ACMG Guidelines, 2015. Collection method: provider interpretation. Allele origin: germline. Inheritance: Autosomal dominant inheritance. Affected: no. Observed: 1 heterozygote.
Comment: The variant satisfies PM2 criteria; Extremely low frequency in gnomAD population databases. The variant satisfies PP3 criteria; For a missense or a splicing region variant, computational prediction tools unanimously support a deleterious effect on the gene. However, the variant satisfies BS2 criteria; present in heterozygous condition in an individual that clinically does not have Marbach-Schaaf neurodevelopmental syndrome.

Neuberg Centre For Genomic Medicine, NCGM
Classification: Uncertain significance for Marbach-Schaaf neurodevelopmental syndrome. Last evaluated: 2023-05-20. Review status: criteria provided, single submitter. Criteria: ACMG Guidelines, 2015. Collection method: clinical testing. Allele origin: germline. Inheritance: Autosomal dominant inheritance. Affected: yes.
Comment: The missense variant c.1069C>T (p.Arg357Cys) in the PRKAR1B gene has not been reported previously as a pathogenic variant nor as a benign variant, to our knowledge. This variant is reported with the allele frequency (0.0004%) in the gnomAD Exomes. The amino acid Arginine at position 357 is changed to a Cysteine changing protein sequence and it might alter its composition and physico- chemical properties. Multiple lines of computational evidence (Polyphen - Damaging, SIFT - Damaging and MutationTaster - Disease causing) predict a damaging effect on protein structure and function for this variant. The amino acid change p.Arg357Cys in PRKAR1B is predicted as conserved by GERP++ and PhyloP across 100 vertebrates. For these reasons, this variant has been classified as Uncertain Significance.

Literature cited by the submitters: PubMed 33833410 (cited by Centre for Medical Genetics,  Mumbai).